The following is an entry in ClinVar:

NM_001079866.2(BCS1L):c.-49-595A>G

Gene: BCS1L (BCS1 ubiquinol-cytochrome c reductase complex chaperone; plus strand). Cytogenetic location: 2q35.
Variant type: single nucleotide variant.
Coding change: c.-49-595A>G on transcript NM_001079866.2 (MANE Select); 595 bases into the intron before 49 bases upstream of the start codon, A replaced by G.
Molecular consequence: intron variant. On other transcripts: 5 prime UTR variant (12), non-coding transcript variant (1).
Genome position (GRCh38, 1-based): chr2:218,660,344, A>G. VCF-style: chr2-218660344-A-G. GRCh37 (hg19) VCF-style: chr2-219525067-A-G.
Other names: c.-127A>G (NM_001320717.2, NM_001371443.1, NM_001371444.1 and 3 more transcripts); c.-454A>G (NM_001371446.1); c.-445A>G (NM_001371451.1); c.-1120A>G (NM_001371453.1, NM_001374086.1); c.-603A>G (NM_001371454.1); c.-644A>G (NM_001374085.1); c.-50+544A>G (NM_001257344.2); c.-50+99A>G (NM_004328.5); and 7 more.
Identifiers: ClinVar variation 675506 (VCV000675506.2), dbSNP rs77487601, ClinGen allele CA65807829.

ClinVar aggregate classification (germline): Likely benign. Review status: criteria provided, single submitter (1 of 4 stars). 2 submissions from 2 submitters: Likely benign (1). 1 of the submissions does not count toward it. Last evaluated 2018-06-16.

Conditions:
GRACILE syndrome (FLNMS). Also called: FELLMAN SYNDROME; FINNISH LETHAL NEONATAL METABOLIC SYNDROME. Identifiers: Orphanet 53693, MedGen C1864002, MONDO:0011308, OMIM 603358.

Allele frequency attached by ClinVar (database versions not stated): gnomAD 0.01529 and 0.01635; TOPMed 0.01746; 1000 Genomes Project 0.01937; 1000 Genomes Project 30x 0.02155.

Submissions (2):

GeneDx
Classification: Likely benign. Last evaluated: 2018-06-16. Review status: criteria provided, single submitter. Criteria: GeneDx Variant Classification (06012015). Collection method: clinical testing. Allele origin: germline. Affected: yes.
Comment: This variant is considered likely benign or benign based on one or more of the following criteria: it is a conservative change, it occurs at a poorly conserved position in the protein, it is predicted to be benign by multiple in silico algorithms, and/or has population frequency not consistent with disease.

Natera, Inc.
Classification: Benign for GRACILE syndrome. Last evaluated: 2019-10-17. Review status: no assertion criteria provided. Collection method: clinical testing. Allele origin: germline. Not counted in ClinVar's aggregate classification.